The following is an entry in ClinVar:

ClinVar aggregate classification (germline): Uncertain significance (1 of 4 stars; one submission).

Conditions:
Gastrointestinal stromal tumor. Also called: Gastrointestinal stroma tumor; Gastrointestinal stromal tumor, somatic. Identifiers: Orphanet 44890, MedGen C0238198, MeSH D046152, MONDO:0011719, OMIM 606764, HP:0100723.

Submission:

Labcorp Genetics (formerly Invitae), Labcorp
Classification: Uncertain significance for Gastrointestinal stromal tumor. Last evaluated: 2022-07-30. Review status: criteria provided, single submitter. Criteria: Invitae Variant Classification Sherloc (09022015). Collection method: clinical testing. Allele origin: germline.
Comment: In summary, the available evidence is currently insufficient to determine the role of this variant in disease. Therefore, it has been classified as a Variant of Uncertain Significance. Algorithms developed to predict the effect of missense changes on protein structure and function output the following: SIFT: "Tolerated"; PolyPhen-2: "Benign"; Align-GVGD: "Class C0". The threonine amino acid residue is found in multiple mammalian species, which suggests that this missense change does not adversely affect protein function. This variant has not been reported in the literature in individuals affected with KIT-related conditions. This variant is not present in population databases (gnomAD no frequency). This sequence change replaces alanine, which is neutral and non-polar, with threonine, which is neutral and polar, at codon 452 of the KIT protein (p.Ala452Thr).

NM_000222.3(KIT):c.1354G>A (p.Ala452Thr)

Gene: KIT (KIT proto-oncogene, receptor tyrosine kinase; plus strand). Cytogenetic location: 4q12.
Variant type: single nucleotide variant.
Coding change: c.1354G>A on transcript NM_000222.3 (MANE Select); coding-DNA position 1354, G replaced by A.
Protein change: p.Ala452Thr; replaces alanine 452 with threonine.
Molecular consequence: missense variant.
Genome position (GRCh38, 1-based): chr4:54,725,864, G>A. VCF-style: chr4-54725864-G-A. GRCh37 (hg19) VCF-style: chr4-55592030-G-A.
Other names: c.1354G>A, p.Ala452Thr (NM_001093772.2, NM_001385285.1, NM_001385286.1); c.1357G>A, p.Ala453Thr (NM_001385284.1, NM_001385288.1, NM_001385290.1 and 1 more transcripts); short protein forms A453T, A452T.
Identifiers: ClinVar variation 1970748 (VCV001970748.5), dbSNP rs1315079882, ClinGen allele CA356906221.
Genomic context (GRCh38, chr4:54,725,864, plus strand): 5'-GTATTTATTTATTTTCCTAGAGTAAGCCAGGGCTTTTGTTTTCTTCCCTTTAGATGCTCT[G>A]CTTCTGTACTGCCAGTGGATGTGCAGACACTAAACTCATCTGGGCCACCGTTTGGAAAGC-3'
Protein context (NP_000213.1, residues 442-462): FCPGTEQRCS[Ala452Thr]SVLPVDVQTL